The following is an entry in ClinVar:

NM_001711.6(BGN):c.145G>A (p.Val49Ile)

Gene: BGN (biglycan; plus strand). Cytogenetic location: Xq28.
Variant type: single nucleotide variant.
Coding change: c.145G>A on transcript NM_001711.6 (MANE Select); coding-DNA position 145, G replaced by A.
Protein change: p.Val49Ile; replaces valine 49 with isoleucine.
Molecular consequence: missense variant.
Genome position (GRCh38, 1-based): chrX:153,504,776, G>A. VCF-style: chrX-153504776-G-A. GRCh37 (hg19) VCF-style: chrX-152770234-G-A.
Other names: short protein forms V49I.
Identifiers: ClinVar variation 3260841 (VCV003260841.3).

ClinVar aggregate classification (germline): Uncertain significance. Review status: criteria provided, multiple submitters, no conflicts (2 of 4 stars). 2 submissions from 2 submitters: Uncertain significance (2). Last evaluated 2024-08-27.

Conditions:
Cardiovascular phenotype. Identifiers: MedGen CN230736.

gnomAD v4.1: 19 of 1,210,205 alleles (0.0016%); highest among the groups gnomAD compares: East Asian, 0.027%; no homozygotes.

Submissions (2):

Labcorp Genetics (formerly Invitae), Labcorp
Classification: Uncertain significance. Last evaluated: 2024-08-27. Review status: criteria provided, single submitter. Criteria: Invitae Variant Classification Sherloc (09022015). Collection method: clinical testing. Allele origin: germline.
Comment: This sequence change replaces valine, which is neutral and non-polar, with isoleucine, which is neutral and non-polar, at codon 49 of the BGN protein (p.Val49Ile). This variant is present in population databases (rs148067596, gnomAD 0.06%), and has an allele count higher than expected for a pathogenic variant. This variant has not been reported in the literature in individuals affected with BGN-related conditions. An algorithm developed to predict the effect of missense changes on protein structure and function outputs the following: PolyPhen-2: "Benign". The isoleucine amino acid residue is found in multiple mammalian species, which suggests that this missense change does not adversely affect protein function. In summary, the available evidence is currently insufficient to determine the role of this variant in disease. Therefore, it has been classified as a Variant of Uncertain Significance.

Ambry Genetics
Classification: Uncertain significance for Cardiovascular phenotype. Last evaluated: 2024-04-17. Review status: criteria provided, single submitter. Criteria: Ambry Variant Classification Scheme 2023. Collection method: clinical testing. Allele origin: germline.